The following is an entry in ClinVar:

NM_000548.5(TSC2):c.1356C>G (p.Phe452Leu)

Gene: TSC2 (TSC complex subunit 2; plus strand). Cytogenetic location: 16p13.3.
Variant type: single nucleotide variant.
Coding change: c.1356C>G on transcript NM_000548.5 (MANE Select); coding-DNA position 1356, C replaced by G.
Protein change: p.Phe452Leu; replaces phenylalanine 452 with leucine.
Molecular consequence: missense variant.
Genome position (GRCh38, 1-based): chr16:2,062,595, C>G. VCF-style: chr16-2062595-C-G. GRCh37 (hg19) VCF-style: chr16-2112596-C-G.
Other names: c.1356C>G, p.Phe452Leu (NM_001077183.3, NM_001114382.3, NM_001363528.2 and 3 more transcripts); c.1245C>G, p.Phe415Leu (NM_001318827.2); c.1209C>G, p.Phe403Leu (NM_001318829.2); c.756C>G, p.Phe252Leu (NM_001318831.2); c.1389C>G, p.Phe463Leu (NM_001318832.2); short protein forms F403L, F452L, F463L, F252L, F415L.
Identifiers: ClinVar variation 1042948 (VCV001042948.13), dbSNP rs769147552, ClinGen allele CA394323377.

ClinVar aggregate classification (germline): Uncertain significance. Review status: criteria provided, multiple submitters, no conflicts (2 of 4 stars). 3 submissions from 3 submitters: Uncertain significance (3). Last evaluated 2025-06-30.

Conditions:
Tuberous sclerosis syndrome (TSC). Also called: Tuberous Sclerosis Complex; Tuberous sclerosis. Identifiers: Orphanet 805, MedGen C0041341, MONDO:0001734.
Tuberous sclerosis 2 (TSC2). Identifiers: Orphanet 805, MedGen C1860707, MONDO:0013199, OMIM 613254.
Hereditary cancer-predisposing syndrome. Also called: Hereditary neoplastic syndrome; Neoplastic Syndromes, Hereditary; Tumor predisposition; Hereditary Cancer Syndrome. Identifiers: Orphanet 140162, MedGen C0027672, MeSH D009386, MONDO:0015356.

Allele frequency attached by ClinVar (database versions not stated): TOPMed 0.00001.
gnomAD v4.1: 2 of 1,606,892 alleles (0.00012%); highest among the groups gnomAD compares: Non-Finnish European, 0.00017%; no homozygotes.

Submissions (3):

Ambry Genetics
Classification: Uncertain significance for Hereditary cancer-predisposing syndrome. Last evaluated: 2025-06-30. Review status: criteria provided, single submitter. Criteria: Ambry Variant Classification Scheme 2023. Collection method: clinical testing. Allele origin: germline.
Comment: The p.F452L variant (also known as c.1356C>G), located in coding exon 12 of the TSC2 gene, results from a C to G substitution at nucleotide position 1356. The phenylalanine at codon 452 is replaced by leucine, an amino acid with highly similar properties. This amino acid position is well conserved in available vertebrate species. In addition, this alteration is predicted to be deleterious by in silico analysis. Since supporting evidence is limited at this time, the clinical significance of this alteration remains unclear.

All of Us Research Program, National Institutes of Health
Classification: Uncertain significance for Tuberous sclerosis syndrome. Last evaluated: 2023-10-06. Review status: criteria provided, single submitter. Criteria: ACMG Guidelines, 2015. Collection method: clinical testing. Allele origin: germline. Inheritance: Autosomal dominant inheritance. Observed: 1 variant allele, 1 heterozygote.
Comment: This missense variant replaces phenylalanine with leucine at codon 452 of the TSC2 protein. Computational prediction suggests that this variant may have deleterious impact on protein structure and function (internally defined REVEL score threshold >= 0.7, PMID: 27666373). To our knowledge, functional studies have not been reported for this variant. This variant has not been reported in individuals affected with tuberous sclerosis complex in the literature. This variant has not been identified in the general population by the Genome Aggregation Database (gnomAD). The available evidence is insufficient to determine the role of this variant in disease conclusively. Therefore, this variant is classified as a Variant of Uncertain Significance.

This study involves interpretation of variants in research participants for the purpose of population health screening. Participant phenotype was not available at the time of variant classification. Additional details can be found in publication PMID: 35346344, PMCID: PMC8962531

Labcorp Genetics (formerly Invitae), Labcorp
Classification: Uncertain significance for Tuberous sclerosis 2. Last evaluated: 2020-07-07. Review status: criteria provided, single submitter. Criteria: Invitae Variant Classification Sherloc (09022015). Collection method: clinical testing. Allele origin: germline.
Comment: This sequence change replaces phenylalanine with leucine at codon 452 of the TSC2 protein (p.Phe452Leu). The phenylalanine residue is highly conserved and there is a small physicochemical difference between phenylalanine and leucine. This variant is not present in population databases (ExAC no frequency). This variant has not been reported in the literature in individuals with TSC2-related conditions. Algorithms developed to predict the effect of missense changes on protein structure and function are either unavailable or do not agree on the potential impact of this missense change (SIFT: "Deleterious"; PolyPhen-2: "Possibly Damaging"; Align-GVGD: "Class C0"). In summary, the available evidence is currently insufficient to determine the role of this variant in disease. Therefore, it has been classified as a Variant of Uncertain Significance.